The following is an entry in ClinVar:

ClinVar aggregate classification (germline): Uncertain significance (1 of 4 stars; one submission).

Submission:

GeneDx
Classification: Uncertain significance. Last evaluated: 2023-12-12. Review status: criteria provided, single submitter. Criteria: GeneDx Variant Classification Process June 2021. Collection method: clinical testing. Allele origin: germline. Affected: yes.
Comment: Not observed at significant frequency in large population cohorts (gnomAD); In silico analysis supports that this missense variant does not alter protein structure/function; Has not been previously published as pathogenic or benign to our knowledge

NM_004698.4(PRPF3):c.588G>A (p.Met196Ile)

Gene: PRPF3 (pre-mRNA processing factor 3; plus strand). Cytogenetic location: 1q21.2.
Variant type: single nucleotide variant.
Coding change: c.588G>A on transcript NM_004698.4 (MANE Select); coding-DNA position 588, G replaced by A.
Protein change: p.Met196Ile; replaces methionine 196 with isoleucine.
Molecular consequence: missense variant. On other transcripts: non-coding transcript variant (4).
Genome position (GRCh38, 1-based): chr1:150,333,059, G>A. VCF-style: chr1-150333059-G-A. GRCh37 (hg19) VCF-style: chr1-150305530-G-A.
Other names: c.183G>A, p.Met61Ile (NM_001350529.1); short protein forms M196I, M61I.
Identifiers: ClinVar variation 3365443 (VCV003365443.1).